The following is an entry in ClinVar:

NM_020433.5(JPH2):c.2077C>G (p.His693Asp)

Gene: JPH2 (junctophilin 2; minus strand). Cytogenetic location: 20q13.12.
Variant type: single nucleotide variant.
Coding change: c.2077C>G on transcript NM_020433.5 (MANE Select); coding-DNA position 2077, C replaced by G.
Protein change: p.His693Asp; replaces histidine 693 with aspartic acid.
Molecular consequence: missense variant.
Genome position (GRCh38, 1-based): chr20:44,114,810, G>C on the plus strand (C>G on the coding strand, the complement: JPH2 is on the minus strand). VCF-style: chr20-44114810-G-C. GRCh37 (hg19) VCF-style: chr20-42743450-G-C.
Other names: short protein forms H693D.
Identifiers: ClinVar variation 2918780 (VCV002918780.3), dbSNP rs2515716904, ClinGen allele CA409099342.
Genomic context (GRCh38, chr20:44,114,810, plus strand): 5'-CCCCAACCCCTCCTCCAGCCAGCTGGCTGCACCTGGTAAGCGACGGTCAGGTCAGGAGGT[G>C]AACAAAGAGGATGGCCAGGCCGATGTTCAGCAGGATCACCATGCAGATGAGGATGGTGTT-3'
Protein context (NP_065166.2, residues 683-696): LNIGLAILFV[His693Asp]LLT

ClinVar aggregate classification (germline): Uncertain significance (1 of 4 stars; one submission).

Conditions:
Hypertrophic cardiomyopathy. Also called: HYPERTROPHIC MYOCARDIOPATHY. Identifiers: Orphanet 217569, MedGen C0007194, MeSH D002312, MONDO:0005045, HP:0001639.

Allele frequency attached by ClinVar (database versions not stated): gnomAD exomes below 0.00001.
gnomAD v4.1: 4 of 1,605,900 alleles (0.00025%); highest among the groups gnomAD compares: Non-Finnish European, 0.00034%; no homozygotes.

Submission:

Labcorp Genetics (formerly Invitae), Labcorp
Classification: Uncertain significance for Hypertrophic cardiomyopathy. Last evaluated: 2023-03-15. Review status: criteria provided, single submitter. Criteria: Invitae Variant Classification Sherloc (09022015). Collection method: clinical testing. Allele origin: germline.
Comment: In summary, the available evidence is currently insufficient to determine the role of this variant in disease. Therefore, it has been classified as a Variant of Uncertain Significance. This sequence change replaces histidine, which is basic and polar, with aspartic acid, which is acidic and polar, at codon 693 of the JPH2 protein (p.His693Asp). This variant is not present in population databases (gnomAD no frequency). This variant has not been reported in the literature in individuals affected with JPH2-related conditions. An algorithm developed to predict the effect of missense changes on protein structure and function (PolyPhen-2) suggests that this variant is likely to be disruptive.